The following is an entry in ClinVar:

NM_000548.5(TSC2):c.2661T>A (p.Cys887Ter)

Gene: TSC2 (TSC complex subunit 2; plus strand). Cytogenetic location: 16p13.3.
Variant type: single nucleotide variant.
Coding change: c.2661T>A on transcript NM_000548.5 (MANE Select); coding-DNA position 2661, T replaced by A.
Protein change: p.Cys887Ter; replaces cysteine 887 with a stop codon.
Molecular consequence: nonsense.
Genome position (GRCh38, 1-based): chr16:2,076,089, T>A. VCF-style: chr16-2076089-T-A. GRCh37 (hg19) VCF-style: chr16-2126090-T-A.
Other names: c.2661T>A, p.Cys887Ter (NM_001077183.3, NM_001114382.3, NM_001363528.2 and 3 more transcripts); c.2550T>A, p.Cys850Ter (NM_001318827.2); c.2514T>A, p.Cys838Ter (NM_001318829.2); c.2061T>A, p.Cys687Ter (NM_001318831.2); c.2694T>A, p.Cys898Ter (NM_001318832.2); short protein forms C887*, C687*, C898*, C838*, C850*.
Identifiers: ClinVar variation 49222 (VCV000049222.6), dbSNP rs45475594, ClinGen allele CA017829.
Genomic context (GRCh38, chr16:2,076,089, plus strand): 5'-TGCTGCCAGGATGGAGTGCCAGCCCCCTTCTCATCTCAGGTTTAATCAGTACATCGTGTG[T>A]CTGGCCCATCACGTCATAGCCATGTGGTTCATCAGGTGCCGCCTGCCCTTCCGGAAGGAT-3'

ClinVar aggregate classification (germline): Pathogenic. Review status: criteria provided, multiple submitters, no conflicts (2 of 4 stars). 3 submissions from 3 submitters: Pathogenic (2). 1 of the submissions does not count toward it. Last evaluated 2025-12-10.

Conditions:
Tuberous sclerosis syndrome (TSC). Also called: Tuberous Sclerosis Complex; Tuberous sclerosis. Identifiers: Orphanet 805, MedGen C0041341, MONDO:0001734.
Tuberous sclerosis 2 (TSC2). Identifiers: Orphanet 805, MedGen C1860707, MONDO:0013199, OMIM 613254.

Submissions (3):

Labcorp Genetics (formerly Invitae), Labcorp
Classification: Pathogenic for Tuberous sclerosis 2. Last evaluated: 2025-12-10. Review status: criteria provided, single submitter. Criteria: Invitae Variant Classification Sherloc (09022015). Collection method: clinical testing. Allele origin: germline.
Comment: This sequence change creates a premature translational stop signal (p.Cys887*) in the TSC2 gene. It is expected to result in an absent or disrupted protein product. Loss-of-function variants in TSC2 are known to be pathogenic (PMID: 10205261, 17304050). This variant is not present in population databases (gnomAD no frequency). This premature translational stop signal has been observed in individual(s) with tuberous sclerosis (PMID: 9463313). ClinVar contains an entry for this variant (Variation ID: 49222). For these reasons, this variant has been classified as Pathogenic.

ARUP Laboratories, Molecular Genetics and Genomics, ARUP Laboratories
Classification: Pathogenic. Last evaluated: 2022-08-02. Review status: criteria provided, single submitter. Criteria: ARUP Molecular Germline Variant Investigation Process 2021. Collection method: clinical testing. Allele origin: germline.
Comment: The TSC2 c.2661T>A; p.Cys887Ter variant (rs45475594) is reported in the literature in an individual affected with tuberous sclerosis (Au 1998). This variant is absent from general population databases (Exome Variant Server, Genome Aggregation Database), indicating it is not a common polymorphism. This variant induces an early termination codon and is predicted to result in a truncated protein or mRNA subject to nonsense-mediated decay. Based on available information, this variant is considered to be pathogenic. References: Au KS et al. Germ-line mutational analysis of the TSC2 gene in 90 tuberous-sclerosis patients. Am J Hum Genet. 1998 Feb;62(2):286-94. PMID: 9463313.

Tuberous sclerosis database (TSC2)
No classification provided. Condition: TSC. Review status: no classification provided. Criteria: Tuberous Sclerosis Database Assertion Criteria 2015. Collection method: curation. Allele origin: germline. Affected: yes. Not counted in ClinVar's aggregate classification.

Literature cited by the submitters: PubMed 10205261 (cited by Labcorp Genetics (formerly Invitae), Labcorp); PubMed 17304050 (cited by Labcorp Genetics (formerly Invitae), Labcorp); PubMed 9463313 (cited by Labcorp Genetics (formerly Invitae), Labcorp).